The following is an entry in ClinVar:

NM_024675.4(PALB2):c.2261C>G (p.Thr754Ser)

Gene: PALB2 (partner and localizer of BRCA2; minus strand). Cytogenetic location: 16p12.2.
Variant type: single nucleotide variant.
Coding change: c.2261C>G on transcript NM_024675.4 (MANE Select); coding-DNA position 2261, C replaced by G.
Protein change: p.Thr754Ser; replaces threonine 754 with serine.
Molecular consequence: missense variant.
Genome position (GRCh38, 1-based): chr16:23,629,893, G>C on the plus strand (C>G on the coding strand, the complement: PALB2 is on the minus strand). VCF-style: chr16-23629893-G-C. GRCh37 (hg19) VCF-style: chr16-23641214-G-C.
Other names: c.2201C>G, p.Thr734Ser (NM_001407296.1); c.2261C>G, p.Thr754Ser (NM_001407297.1, NM_001407298.1, NM_001407299.1 and 3 more transcripts); c.1376C>G, p.Thr459Ser (NM_001407304.1, NM_001407305.1, NM_001407306.1 and 5 more transcripts); c.473C>G, p.Thr158Ser (NM_001407312.1, NM_001407313.1); short protein forms T459S, T734S, T158S, T754S.
Identifiers: ClinVar variation 1788638 (VCV001788638.2), dbSNP rs1966858206, ClinGen allele CA395125434.

ClinVar aggregate classification (germline): Uncertain significance (1 of 4 stars; one submission).

Conditions:
Hereditary cancer-predisposing syndrome. Also called: Hereditary Cancer Syndrome; Hereditary neoplastic syndrome; Tumor predisposition; Neoplastic Syndromes, Hereditary. Identifiers: Orphanet 140162, MedGen C0027672, MeSH D009386, MONDO:0015356.

Submission:

Ambry Genetics
Classification: Uncertain significance for Hereditary cancer-predisposing syndrome. Last evaluated: 2020-01-09. Review status: criteria provided, single submitter. Criteria: Ambry Variant Classification Scheme 2023. Collection method: clinical testing. Allele origin: germline.
Comment: The p.T754S variant (also known as c.2261C>G), located in coding exon 5 of the PALB2 gene, results from a C to G substitution at nucleotide position 2261. The threonine at codon 754 is replaced by serine, an amino acid with similar properties. This amino acid position is not well conserved in available vertebrate species. In addition, this alteration is predicted to be tolerated by in silico analysis. Since supporting evidence is limited at this time, the clinical significance of this alteration remains unclear.